The following is an entry in ClinVar:

ClinVar aggregate classification (germline): Uncertain significance (1 of 4 stars; one submission).

Conditions:
PTPRQ-related disorder. Also called: PTPRQ-related condition.

Submission:

PreventionGenetics, part of Exact Sciences
Classification: Uncertain significance for PTPRQ-related condition. Last evaluated: 2025-01-22. Review status: criteria provided, single submitter. Criteria: ACMG Guidelines, 2015. Collection method: clinical testing. Allele origin: germline.
Comment: The PTPRQ c.268A>G variant is predicted to result in the amino acid substitution p.Ile90Val. To our knowledge, this variant has not been reported in the literature or in a large population database (gnomAD), indicating this variant is rare. At this time, the clinical significance of this variant is uncertain due to the absence of conclusive functional and genetic evidence.

NM_001145026.2(PTPRQ):c.268A>G (p.Ile90Val)

Gene: PTPRQ (protein tyrosine phosphatase receptor type Q; plus strand). Cytogenetic location: 12q21.31.
Variant type: single nucleotide variant.
Coding change: c.268A>G on transcript NM_001145026.2 (MANE Select); coding-DNA position 268, A replaced by G.
Protein change: p.Ile90Val; replaces isoleucine 90 with valine.
Molecular consequence: missense variant.
Genome position (GRCh38, 1-based): chr12:80,445,595, A>G. VCF-style: chr12-80445595-A-G. GRCh37 (hg19) VCF-style: chr12-80839375-A-G.
Other names: short protein forms I90V.
Identifiers: ClinVar variation 4997396 (VCV004997396.1).
Genomic context (GRCh38, chr12:80,445,595, plus strand): 5'-GCTGGGATTCTTCTGTCTTGGAATACACCACCTAATCCAAATGGAAGGATTATATCTTAC[A>G]TTGTCAAATATAAGGAAGTTTGTCCGTGGATGCAAACAGTATATACACAAGTCAGATCAA-3'
Protein context (NP_001138498.1, residues 80-100): PNPNGRIISY[Ile90Val]VKYKEVCPWM